The following is an entry in ClinVar:

NM_013291.3(CPSF1):c.614A>T (p.Asp205Val)

Gene: CPSF1 (cleavage and polyadenylation specific factor 1; minus strand). Cytogenetic location: 8q24.3.
Variant type: single nucleotide variant.
Coding change: c.614A>T on transcript NM_013291.3 (MANE Select); coding-DNA position 614, A replaced by T.
Protein change: p.Asp205Val; replaces aspartic acid 205 with valine.
Molecular consequence: missense variant.
Genome position (GRCh38, 1-based): chr8:144,400,743, T>A on the plus strand (A>T on the coding strand, the complement: CPSF1 is on the minus strand). VCF-style: chr8-144400743-T-A. GRCh37 (hg19) VCF-style: chr8-145626137-T-A.
Other names: short protein forms D205V.
Identifiers: ClinVar variation 5008117 (VCV005008117.1).

ClinVar aggregate classification (germline): Uncertain significance (1 of 4 stars; one submission).

Submission:

GeneDx
Classification: Uncertain significance. Last evaluated: 2026-03-05. Review status: criteria provided, single submitter. Criteria: GeneDx Variant Classification Process June 2021. Collection method: clinical testing. Allele origin: germline.
Comment: Not observed at significant frequency in large population cohorts (gnomAD); In silico analysis supports that this missense variant has a deleterious effect on protein structure/function; Has not been previously published as pathogenic or benign to our knowledge